The following is an entry in ClinVar:

NM_001376.5(DYNC1H1):c.7420G>A (p.Ala2474Thr)

Gene: DYNC1H1 (dynein cytoplasmic 1 heavy chain 1; plus strand). Cytogenetic location: 14q32.31.
Variant type: single nucleotide variant.
Coding change: c.7420G>A on transcript NM_001376.5 (MANE Select); coding-DNA position 7420, G replaced by A.
Protein change: p.Ala2474Thr; replaces alanine 2474 with threonine.
Molecular consequence: missense variant.
Genome position (GRCh38, 1-based): chr14:102,016,033, G>A. VCF-style: chr14-102016033-G-A. GRCh37 (hg19) VCF-style: chr14-102482370-G-A.
Other names: short protein forms A2474T.
Identifiers: ClinVar variation 246234 (VCV000246234.20), dbSNP rs766837403, ClinGen allele CA7352809.

ClinVar aggregate classification (germline): Conflicting classifications of pathogenicity. Review status: criteria provided, conflicting classifications (1 of 4 stars). 6 submissions from 5 submitters: Uncertain significance (1); Likely benign (4). 1 of the submissions does not count toward it. Last evaluated 2025-10-02.

Conditions:
Autosomal dominant cerebellar ataxia. Also called: Spinocerebellar Ataxia, Dominant. Identifiers: Orphanet 99, MedGen C4087347, MONDO:0020380.
Charcot-Marie-Tooth disease axonal type 2O. Also called: CHARCOT-MARIE-TOOTH NEUROPATHY, AXONAL, TYPE 2O; CHARCOT-MARIE-TOOTH DISEASE, AXONAL, AUTOSOMAL DOMINANT, TYPE 2O; Charcot-Marie-Tooth Neuropathy Type 2O; Charcot-Marie-Tooth disease, axonal, type 20. Identifiers: Orphanet 284232, MedGen C3280220, MONDO:0013644, OMIM 614228.
Intellectual disability. Also called: Intellectual functioning disability; intellectual disabilities; Intellectual developmental disorder. Identifiers: MedGen C3714756, MeSH D008607, MONDO:0001071, HP:0001249.

Allele frequency attached by ClinVar (database versions not stated): gnomAD exomes 0.00001 and 0.00002; gnomAD 0.00001; TOPMed 0.00001; ExAC 0.00003.
gnomAD v4.1: 11 of 1,613,336 alleles (0.00068%); highest among the groups gnomAD compares: Middle Eastern, 0.016%; no homozygotes.

Submissions (6):

Women's Health and Genetics/Laboratory Corporation of America, LabCorp
Classification: Uncertain significance. Last evaluated: 2025-10-02. Review status: criteria provided, single submitter. Criteria: LabCorp Variant Classification Summary - May 2015. Collection method: clinical testing. Allele origin: germline.
Comment: Variant summary: DYNC1H1 c.7420G>A (p.Ala2474Thr) results in a non-conservative amino acid change in the encoded protein sequence. Algorithms developed to predict the effect of missense changes on protein structure and function are either unavailable or do not agree on the potential impact of this missense change. The variant allele was found at a frequency of 2e-05 in 250160 control chromosomes. The available data on variant occurrences in the general population are insufficient to allow any conclusion about variant significance. c.7420G>A has been observed in an individual affected with attention-deficit/hyperactivity disorder (ADHD) (Dmitrzak-Weglarz_2021). This report does not provide unequivocal conclusions about association of the variant with Charcot-Marie-Tooth disease axonal type 2O. To our knowledge, no experimental evidence demonstrating an impact on protein function has been reported. The following publication has been ascertained in the context of this evaluation (PMID: 34573389). ClinVar contains an entry for this variant (Variation ID: 246234). Based on the evidence outlined above, the variant was classified as uncertain significance.

Labcorp Genetics (formerly Invitae), Labcorp
Classification: Likely benign for Charcot-Marie-Tooth disease axonal type 2O. Last evaluated: 2024-11-18. Review status: criteria provided, single submitter. Criteria: Invitae Variant Classification Sherloc (09022015). Collection method: clinical testing. Allele origin: germline.

GeneDx
Classification: Likely benign. Last evaluated: 2022-01-21. Review status: criteria provided, single submitter. Criteria: GeneDx Variant Classification Process June 2021. Collection method: clinical testing. Allele origin: germline. Affected: yes.
Comment: In silico analysis supports that this missense variant does not alter protein structure/function; This variant is associated with the following publications: (PMID: 26100331, 25512093, 25609763)

Illumina Laboratory Services, Illumina
Classification: Likely benign for Spinocerebellar Ataxia, Dominant. Last evaluated: 2018-01-12. Review status: criteria provided, single submitter. Criteria: ICSL Variant Classification Criteria 13 December 2019. Collection method: clinical testing. Allele origin: germline.
Comment: This variant was observed in the ICSL laboratory as part of a predisposition screen in an ostensibly healthy population. It had not been previously curated by ICSL or reported in the Human Gene Mutation Database (HGMD: prior to June 1st, 2018), and was therefore a candidate for classification through an automated scoring system. Utilizing variant allele frequency, disease prevalence and penetrance estimates, and inheritance mode, an automated score was calculated to assess if this variant is too frequent to cause the disease. Based on the score and internal cut-off values, a variant classified as likely benign is not then subjected to further curation. The score for this variant resulted in a classification of likely benign for this disease.

Illumina Laboratory Services, Illumina
Classification: Likely benign for Charcot-Marie-Tooth disease axonal type 2O. Last evaluated: 2018-01-12. Review status: criteria provided, single submitter. Criteria: ICSL Variant Classification Criteria 13 December 2019. Collection method: clinical testing. Allele origin: germline.
Comment: the same text as in the submission from Illumina Laboratory Services, Illumina above.

Centre de Biologie Pathologie Génétique, Centre Hospitalier Universitaire de Lille
Classification: Uncertain significance for Intellectual disability. Last evaluated: 2019-01-01. Review status: no assertion criteria provided. Collection method: clinical testing. Allele origin: unknown. Affected: yes. Not counted in ClinVar's aggregate classification.

Literature cited by the submitters: PubMed 34573389 (cited by Women's Health and Genetics/Laboratory Corporation of America, LabCorp).